The following is an entry in ClinVar:

Conditions:
Breast-ovarian cancer, familial, susceptibility to, 1 (BROVCA1). Also called: BRCA1 Hereditary Breast and Ovarian Cancer; OVARIAN CANCER, SUSCEPTIBILITY TO. Identifiers: Orphanet 145, MedGen C2676676, MONDO:0011450, OMIM 604370. Disease mechanism: loss of function.

Submission:

Brotman Baty Institute, University of Washington
No classification provided (evidence only). Condition: Breast-ovarian cancer, familial 1. Review status: no classification provided. Collection method: in vitro. Allele origin: not applicable. Functional consequence: functionally_normal.
ClinVar note: "not provided" was previously submitted as the classification for the variant. However, the classification appeared to be based only on an observation of functional data so it was converted to no classification on 2025-07-30.

NM_007294.4(BRCA1):c.50C>T (p.Ala17Val)

Gene: BRCA1 (BRCA1 DNA repair associated; minus strand). Cytogenetic location: 17q21.31.
Variant type: single nucleotide variant.
Coding change: c.50C>T on transcript NM_007294.4 (MANE Select); coding-DNA position 50, C replaced by T.
Protein change: p.Ala17Val; replaces alanine 17 with valine.
Molecular consequence: missense variant. On other transcripts: 5 prime UTR variant (1), non-coding transcript variant (1).
Genome position (GRCh38, 1-based): chr17:43,124,047, G>A on the plus strand (C>T on the coding strand, the complement: BRCA1 is on the minus strand). VCF-style: chr17-43124047-G-A. GRCh37 (hg19) VCF-style: chr17-41276064-G-A.
Other names: c.-88C>T (NM_001407841.1); c.-208C>T (NM_001407842.1, NM_001407843.1, NM_001407930.1 and 11 more transcripts); c.-38C>T (NM_001407845.1, NM_001407849.1, NM_001407852.1 and 23 more transcripts); c.-237C>T (NM_001407846.1, NM_001407920.1, NM_001407697.1); c.-211C>T (NM_001407847.1, NM_001407850.1, NM_001407921.1 and 22 more transcripts); c.-139C>T (NM_001407853.1, NM_001407879.1, NM_001407882.1 and 46 more transcripts); c.50C>T, p.Ala17Val (NM_001407854.1, NM_001407858.1, NM_001407859.1 and 193 more transcripts); c.-85C>T (NM_001407881.1, NM_001407898.1, NM_001407902.1); and 8 more; short protein forms A17V.
Identifiers: ClinVar variation 869098 (VCV000869098.3), dbSNP rs1412871417, ClinGen allele CA10602056.
Genomic context (GRCh38, chr17:43,124,047, plus strand): 5'-CCAAATTAATACACTCTTGTGCTGACTTACCAGATGGGACACTCTAAGATTTTCTGCATA[G>A]CATTAATGACATTTTGTACTTCTTCAACGCGAAGAGCAGATAAATCCATTTCTTTCTGTT-3'
Protein context (NP_009225.1, residues 7-27): RVEEVQNVIN[Ala17Val]MQKILECPIC